The following is an entry in ClinVar:

NM_181486.4(TBX5):c.1361T>C (p.Met454Thr)

Gene: TBX5 (T-box transcription factor 5; minus strand). Cytogenetic location: 12q24.21.
Variant type: single nucleotide variant.
Coding change: c.1361T>C on transcript NM_181486.4 (MANE Select); coding-DNA position 1361, T replaced by C.
Protein change: p.Met454Thr; replaces methionine 454 with threonine.
Molecular consequence: missense variant.
Genome position (GRCh38, 1-based): chr12:114,355,728, A>G on the plus strand (T>C on the coding strand, the complement: TBX5 is on the minus strand). VCF-style: chr12-114355728-A-G. GRCh37 (hg19) VCF-style: chr12-114793533-A-G.
Other names: c.1361T>C, p.Met454Thr (NM_000192.3); c.1211T>C, p.Met404Thr (NM_080717.4); short protein forms M454T, M404T.
Identifiers: ClinVar variation 1770849 (VCV001770849.2), dbSNP rs2540424841, ClinGen allele CA386925230.

ClinVar aggregate classification (germline): Uncertain significance (1 of 4 stars; one submission).

Conditions:
Cardiovascular phenotype. Identifiers: MedGen CN230736.

Allele frequency attached by ClinVar (database versions not stated): gnomAD exomes below 0.00001.
gnomAD v4.1: 1 of 1,614,130 alleles (0.000062%); highest among the groups gnomAD compares: Non-Finnish European, 0.000085%; no homozygotes.

Submission:

Ambry Genetics
Classification: Uncertain significance for Cardiovascular phenotype. Last evaluated: 2021-12-16. Review status: criteria provided, single submitter. Criteria: Ambry Variant Classification Scheme 2023. Collection method: clinical testing. Allele origin: germline.
Comment: The p.M454T variant (also known as c.1361T>C), located in coding exon 8 of the TBX5 gene, results from a T to C substitution at nucleotide position 1361. The methionine at codon 454 is replaced by threonine, an amino acid with similar properties. This amino acid position is conserved. In addition, the in silico prediction for this alteration is inconclusive. Since supporting evidence is limited at this time, the clinical significance of this alteration remains unclear.